The following is an entry in ClinVar:

ClinVar aggregate classification (germline): Uncertain significance (1 of 4 stars; one submission).

Allele frequency attached by ClinVar (database versions not stated): ExAC 0.00001; gnomAD 0.00001; 1000 Genomes Project 0.00020; 1000 Genomes Project 30x 0.00031.

Submission:

Labcorp Genetics (formerly Invitae), Labcorp
Classification: Uncertain significance. Last evaluated: 2022-10-24. Review status: criteria provided, single submitter. Criteria: Invitae Variant Classification Sherloc (09022015). Collection method: clinical testing. Allele origin: germline.
Comment: In summary, the available evidence is currently insufficient to determine the role of this variant in disease. Therefore, it has been classified as a Variant of Uncertain Significance. Algorithms developed to predict the effect of missense changes on protein structure and function are either unavailable or do not agree on the potential impact of this missense change (SIFT: "Deleterious"; PolyPhen-2: "Possibly Damaging"; Align-GVGD: "Class C0"). This variant has not been reported in the literature in individuals affected with SON-related conditions. This variant is present in population databases (rs551968174, gnomAD 0.007%). This sequence change replaces alanine, which is neutral and non-polar, with threonine, which is neutral and polar, at codon 173 of the SON protein (p.Ala173Thr).

NM_138927.4(SON):c.517G>A (p.Ala173Thr)

Gene: SON (SON DNA and RNA binding protein; plus strand). Cytogenetic location: 21q22.11.
Variant type: single nucleotide variant.
Coding change: c.517G>A on transcript NM_138927.4 (MANE Select); coding-DNA position 517, G replaced by A.
Protein change: p.Ala173Thr; replaces alanine 173 with threonine.
Molecular consequence: missense variant. On other transcripts: non-coding transcript variant (1), intron variant (1).
Genome position (GRCh38, 1-based): chr21:33,549,748, G>A. VCF-style: chr21-33549748-G-A. GRCh37 (hg19) VCF-style: chr21-34922054-G-A.
Other names: c.517G>A, p.Ala173Thr (NM_001291411.2, NM_001412133.1, NM_032195.3 and 2 more transcripts); c.244+3369G>A (NM_001291412.3); short protein forms A173T.
Identifiers: ClinVar variation 2131212 (VCV002131212.4), dbSNP rs551968174, ClinGen allele CA10008696.
Genomic context (GRCh38, chr21:33,549,748, plus strand): 5'-GATTCCTTTTTAAAGTTTGATTCTGAACCTTCAGCTGTGGCGCTGGAGCTTCCTACAAGA[G>A]CATTTGGCCCATCTGAGACCAATGAATCCCCTGCAGTTGTGCTAGAACCTCCTGTAGTAT-3'
Protein context (NP_620305.3, residues 163-183): SAVALELPTR[Ala173Thr]FGPSETNESP